The following is an entry in ClinVar:

ClinVar aggregate classification (germline): Uncertain significance (1 of 4 stars; one submission).

Conditions:
GATA binding protein 1 related thrombocytopenia with dyserythropoiesis. Also called: GATA1-Related X-Linked Cytopenia; GATA1-Related Cytopenia. Identifiers: MedGen C1845837, MONDO:0100089.
Diamond-Blackfan anemia. Also called: Blackfan Diamond syndrome; Aregenerative anemia chronic congenital; Red cell aplasia, pure hereditary; Congenital hypoplastic anemia; Aase syndrome. Identifiers: Orphanet 124, MedGen C1260899, MeSH D029503, MONDO:0015253, HP:0004810.

Allele frequency attached by ClinVar (database versions not stated): gnomAD 0.00001; ExAC 0.00002.

Submission:

Labcorp Genetics (formerly Invitae), Labcorp
Classification: Uncertain significance for GATA binding protein 1 related thrombocytopenia with dyserythropoiesis; Diamond-Blackfan anemia. Last evaluated: 2022-08-17. Review status: criteria provided, single submitter. Criteria: Invitae Variant Classification Sherloc (09022015). Collection method: clinical testing. Allele origin: germline.
Comment: In summary, the available evidence is currently insufficient to determine the role of this variant in disease. Therefore, it has been classified as a Variant of Uncertain Significance. Algorithms developed to predict the effect of missense changes on protein structure and function are either unavailable or do not agree on the potential impact of this missense change (SIFT: "Tolerated"; PolyPhen-2: "Probably Damaging"; Align-GVGD: "Class C0"). This variant has not been reported in the literature in individuals affected with GATA1-related conditions. This variant is present in population databases (rs782366452, gnomAD 0.008%). This sequence change replaces alanine, which is neutral and non-polar, with valine, which is neutral and non-polar, at codon 55 of the GATA1 protein (p.Ala55Val).

NM_002049.4(GATA1):c.164C>T (p.Ala55Val)

Gene: GATA1 (GATA binding protein 1; plus strand). Cytogenetic location: Xp11.23.
Variant type: single nucleotide variant.
Coding change: c.164C>T on transcript NM_002049.4 (MANE Select); coding-DNA position 164, C replaced by T.
Protein change: p.Ala55Val; replaces alanine 55 with valine.
Molecular consequence: missense variant.
Genome position (GRCh38, 1-based): chrX:48,791,273, C>T. VCF-style: chrX-48791273-C-T. GRCh37 (hg19) VCF-style: chrX-48649680-C-T.
Other names: short protein forms A55V.
Identifiers: ClinVar variation 2201404 (VCV002201404.4), dbSNP rs782366452, ClinGen allele CA10404547.